The following is an entry in ClinVar:

NM_001099922.3(ALG13):c.2008A>G (p.Met670Val)

Gene: ALG13 (ALG13 UDP-N-acetylglucosaminyltransferase subunit; plus strand). Cytogenetic location: Xq23.
Variant type: single nucleotide variant.
Coding change: c.2008A>G on transcript NM_001099922.3 (MANE Select); coding-DNA position 2008, A replaced by G.
Protein change: p.Met670Val; replaces methionine 670 with valine.
Molecular consequence: missense variant. On other transcripts: non-coding transcript variant (1).
Genome position (GRCh38, 1-based): chrX:111,727,363, A>G. VCF-style: chrX-111727363-A-G. GRCh37 (hg19) VCF-style: chrX-110970591-A-G.
Other names: c.1696A>G, p.Met566Val (NM_001257230.2, NM_001257234.2, NM_001257237.2); c.1774A>G, p.Met592Val (NM_001257231.2); c.2008A>G, p.Met670Val (NM_001324292.2); c.1522A>G, p.Met508Val (NM_001324293.1); short protein forms M508V, M566V, M592V, M670V.
Identifiers: ClinVar variation 2673256 (VCV002673256.21), dbSNP rs1277502608, ClinGen allele CA414253046.
Genomic context (GRCh38, chrX:111,727,363, plus strand): 5'-GTTCTAGTTTCCTTTCTCTTTATTCTTAGGAATTCATCTCGGTTTATAAACAGGCACAAC[A>G]TGCCGGGCCCTAAAGTTGATTTTTACCCAGGCCCAGGTAAAAGGTGCTGCCAGAGCTATG-3'
Protein context (NP_001093392.1, residues 660-680): NSSRFINRHN[Met670Val]PGPKVDFYPG

ClinVar aggregate classification (germline): Uncertain significance (1 of 4 stars; one submission).

Allele frequency attached by ClinVar (database versions not stated): gnomAD exomes below 0.00001.
gnomAD v4.1: 3 of 1,210,142 alleles (0.00025%); highest among the groups gnomAD compares: East Asian, 0.003%; no homozygotes.

Submission:

CeGaT Center for Human Genetics Tuebingen
Classification: Uncertain significance. Last evaluated: 2023-11-01. Review status: criteria provided, single submitter. Criteria: CeGaT Center For Human Genetics Tuebingen Variant Classification Criteria Version 2. Collection method: clinical testing. Allele origin: germline. Affected: yes. Observed: 1 variant allele.
Comment: ALG13: PM2, BP4